The following is an entry in ClinVar:

ClinVar aggregate classification (germline): Uncertain significance. Review status: criteria provided, multiple submitters, no conflicts (2 of 4 stars). 2 submissions from 2 submitters: Uncertain significance (2). Last evaluated 2023-11-03.

Conditions:
Atrial fibrillation, familial, 18 (ATFB18). Identifiers: MedGen C4310636, MONDO:0015001, OMIM 617280.

Allele frequency attached by ClinVar (database versions not stated): ExAC 0.00001; gnomAD exomes 0.00001.

Submissions (2):

Blueprint Genetics
Classification: Uncertain significance. Last evaluated: 2023-11-03. Review status: criteria provided, single submitter. Criteria: ACMG Guidelines, 2015. Collection method: clinical testing. Allele origin: germline.

Labcorp Genetics (formerly Invitae), Labcorp
Classification: Uncertain significance for Atrial fibrillation, familial, 18. Last evaluated: 2022-05-03. Review status: criteria provided, single submitter. Criteria: Invitae Variant Classification Sherloc (09022015). Collection method: clinical testing. Allele origin: germline.
Comment: In summary, the available evidence is currently insufficient to determine the role of this variant in disease. Therefore, it has been classified as a Variant of Uncertain Significance. Algorithms developed to predict the effect of missense changes on protein structure and function (SIFT, PolyPhen-2, Align-GVGD) all suggest that this variant is likely to be tolerated. This variant has not been reported in the literature in individuals affected with MYL4-related conditions. This variant is present in population databases (rs768062115, gnomAD 0.0009%). This sequence change replaces methionine, which is neutral and non-polar, with valine, which is neutral and non-polar, at codon 106 of the MYL4 protein (p.Met106Val).

NM_002476.2(MYL4):c.316A>G (p.Met106Val)

Gene: MYL4 (myosin light chain 4; plus strand). Cytogenetic location: 17q21.32.
Variant type: single nucleotide variant.
Coding change: c.316A>G on transcript NM_002476.2 (MANE Select); coding-DNA position 316, A replaced by G.
Protein change: p.Met106Val; replaces methionine 106 with valine.
Molecular consequence: missense variant.
Genome position (GRCh38, 1-based): chr17:47,221,684, A>G. VCF-style: chr17-47221684-A-G. GRCh37 (hg19) VCF-style: chr17-45299050-A-G.
Other names: c.316A>G, p.Met106Val (NM_001002841.2); short protein forms M106V.
Identifiers: ClinVar variation 2428375 (VCV002428375.7), dbSNP rs768062115, ClinGen allele CA8622718.
Genomic context (GRCh38, chr17:47,221,684, plus strand): 5'-TGCTCCCTTGAGCACCTGCTCACATTGATTTCTCTTTCTTTACCCTGCCTGCCTGAAGAG[A>G]TGAATGTCAAGATGCTGGACTTTGAGACGTTCTTGCCCATCCTGCAGCACATTTCCCGCA-3'
Protein context (NP_002467.1, residues 96-116): RVLGKPKPEE[Met106Val]NVKMLDFETF